The following is an entry in ClinVar:

NM_201384.3(PLEC):c.9248G>A (p.Arg3083His)

Gene: PLEC (plectin; minus strand). Cytogenetic location: 8q24.3.
Variant type: single nucleotide variant.
Coding change: c.9248G>A on transcript NM_201384.3 (MANE Select); coding-DNA position 9248, G replaced by A.
Protein change: p.Arg3083His; replaces arginine 3083 with histidine.
Molecular consequence: missense variant.
Genome position (GRCh38, 1-based): chr8:143,920,573, C>T on the plus strand (G>A on the coding strand, the complement: PLEC is on the minus strand). VCF-style: chr8-143920573-C-T. GRCh37 (hg19) VCF-style: chr8-144994741-C-T.
Other names: c.9329G>A, p.Arg3110His (NM_000445.5); c.9206G>A, p.Arg3069His (NM_201378.4); c.9182G>A, p.Arg3061His (NM_201379.3); c.9659G>A, p.Arg3220His (NM_201380.4); c.9152G>A, p.Arg3051His (NM_201381.3); c.9248G>A, p.Arg3083His (NM_201382.4); c.9260G>A, p.Arg3087His (NM_201383.3); c.9329G>A (NM_000445.3); short protein forms R3051H, R3061H, R3069H, R3087H, R3110H, R3220H, R3083H.
Identifiers: ClinVar variation 1439783 (VCV001439783.10), dbSNP rs201948649, ClinGen allele CA372513108.
Genomic context (GRCh38, chr8:143,920,573, plus strand): 5'-GTCACAGCCTTCTCGGCTGATAGCAGCTTCTCATGAAACTCGGGGCCCACCAGGCCAGCA[C>T]GCACTGCCTCGTCCACGGTCAGCCGGGCGCTGGTGGCGGGGTCGATGATGTGCCCGGTGC-3'
Protein context (NP_958786.1, residues 3073-3093): SARLTVDEAV[Arg3083His]AGLVGPEFHE

ClinVar aggregate classification (germline): Uncertain significance. Review status: criteria provided, multiple submitters, no conflicts (2 of 4 stars). 2 submissions from 2 submitters: Uncertain significance (2). Last evaluated 2025-06-22.

Conditions:
Epidermolysis bullosa simplex 5B, with muscular dystrophy (EBS5B). Also called: EPIDERMOLYSIS BULLOSA SIMPLEX AND LIMB-GIRDLE MUSCULAR DYSTROPHY; Epidermolysis bullosa simplex with muscular dystrophy. Identifiers: Orphanet 257, MedGen C2931072, MONDO:0009181, OMIM 226670.
Epidermolysis bullosa simplex 5C, with pyloric atresia (EBS5C). Also called: Epidermolysis bullosa simplex with pyloric atresia; PLEC-Related Epidermolysis Bullosa with Pyloric Atresia; PLEC1-Related Epidermolysis Bullosa with Pyloric Atresia. Identifiers: Orphanet 158684, MedGen C2677349, MONDO:0012807, OMIM 612138.
Autosomal recessive limb-girdle muscular dystrophy type 2Q (LGMDR17). Also called: MUSCULAR DYSTROPHY, LIMB-GIRDLE, AUTOSOMAL RECESSIVE 17. Identifiers: Orphanet 254361, MedGen C3150989, MONDO:0013390, OMIM 613723.
Epidermolysis bullosa simplex with nail dystrophy (EBS5D). Identifiers: MedGen C4225309, MONDO:0014661, OMIM 616487.
Epidermolysis bullosa simplex, Ogna type (EBS5A). Also called: Pidermolysis bullosa simplex 5A, Ogna type; EPIDERMOLYSIS BULLOSA SIMPLEX 5A, OGNA TYPE. Identifiers: Orphanet 79401, MedGen C0432317, MONDO:0007555, OMIM 131950.
Inborn genetic diseases. Identifiers: MedGen C0950123, MeSH D030342.

Allele frequency attached by ClinVar (database versions not stated): TOPMed 0.00001.
gnomAD v4.1: 11 of 1,611,016 alleles (0.00068%); highest among the groups gnomAD compares: South Asian, 0.0011%; no homozygotes.

Submissions (2):

Ambry Genetics
Classification: Uncertain significance for Inborn genetic diseases. Last evaluated: 2025-06-22. Review status: criteria provided, single submitter. Criteria: Ambry Variant Classification Scheme 2023. Collection method: clinical testing. Allele origin: germline.

Labcorp Genetics (formerly Invitae), Labcorp
Classification: Uncertain significance for Autosomal recessive limb-girdle muscular dystrophy type 2Q; Epidermolysis bullosa simplex, Ogna type; Epidermolysis bullosa simplex with nail dystrophy; Epidermolysis bullosa simplex 5C, with pyloric atresia; Epidermolysis bullosa simplex 5B, with muscular dystrophy. Last evaluated: 2024-10-22. Review status: criteria provided, single submitter. Criteria: Invitae Variant Classification Sherloc (09022015). Collection method: clinical testing. Allele origin: germline.
Comment: This sequence change replaces arginine, which is basic and polar, with histidine, which is basic and polar, at codon 3110 of the PLEC protein (p.Arg3110His). This variant is not present in population databases (gnomAD no frequency). This variant has not been reported in the literature in individuals affected with PLEC-related conditions. ClinVar contains an entry for this variant (Variation ID: 1439783). An algorithm developed to predict the effect of missense changes on protein structure and function (PolyPhen-2) suggests that this variant is likely to be disruptive. In summary, the available evidence is currently insufficient to determine the role of this variant in disease. Therefore, it has been classified as a Variant of Uncertain Significance.